The following is an entry in ClinVar:

NM_001042681.2(RERE):c.1934_1936del (p.Lys645del)

Gene: RERE (arginine-glutamic acid dipeptide repeats; minus strand). Cytogenetic location: 1p36.23.
Variant type: Deletion.
Coding change: c.1934_1936del on transcript NM_001042681.2 (MANE Select); coding-DNA positions 1934 to 1936, 3 bases deleted (AGA; older notation c.1934_1936delAGA).
Protein change: p.Lys645del; deletes lysine 645.
Molecular consequence: inframe deletion.
Genome position (GRCh38, 1-based): chr1:8,361,843-8,361,845, TCT deleted on the plus strand (AGA on the coding strand, the reverse complement: RERE is on the minus strand); deleting any 3 consecutive bases within chr1:8,361,843-8,361,846 gives the same sequence; the c. name uses the placement nearest the transcript's 3' end. VCF-style (leftmost placement, unchanged base first): chr1-8361842-CTCT-C. GRCh37 (hg19) VCF-style: chr1-8421902-CTCT-C.
Other names: c.272_274del, p.Lys91del (NM_001042682.2); c.1934_1936del, p.Lys645del (NM_012102.4); short protein forms K645del, K91del.
Identifiers: ClinVar variation 2435408 (VCV002435408.6), dbSNP rs763376652, ClinGen allele CA571499.

ClinVar aggregate classification (germline): Uncertain significance. Review status: criteria provided, multiple submitters, no conflicts (2 of 4 stars). 2 submissions from 2 submitters: Uncertain significance (2). Last evaluated 2024-05-23.

Conditions:
Neurodevelopmental disorder with or without anomalies of the brain, eye, or heart (NEDBEH). Identifiers: Orphanet 494344, MedGen C5567477, MONDO:0014857, OMIM 616975.

Submissions (2):

Labcorp Genetics (formerly Invitae), Labcorp
Classification: Uncertain significance. Last evaluated: 2024-05-23. Review status: criteria provided, single submitter. Criteria: Invitae Variant Classification Sherloc (09022015). Collection method: clinical testing. Allele origin: germline.
Comment: This variant, c.1934_1936del, results in the deletion of 1 amino acid(s) of the RERE protein (p.Lys645del), but otherwise preserves the integrity of the reading frame. This variant is present in population databases (rs763376652, gnomAD 0.06%), and has an allele count higher than expected for a pathogenic variant. This variant has not been reported in the literature in individuals affected with RERE-related conditions. ClinVar contains an entry for this variant (Variation ID: 2435408). Experimental studies and prediction algorithms are not available or were not evaluated, and the functional significance of this variant is currently unknown. In summary, the available evidence is currently insufficient to determine the role of this variant in disease. Therefore, it has been classified as a Variant of Uncertain Significance.

Revvity Omics, Revvity
Classification: Uncertain significance for Neurodevelopmental disorder with or without anomalies of the brain, eye, or heart. Last evaluated: 2022-01-07. Review status: criteria provided, single submitter. Criteria: ACMG Guidelines, 2015. Collection method: clinical testing. Allele origin: germline.